The following is an entry in ClinVar:

ClinVar aggregate classification (germline): Pathogenic (1 of 4 stars; one submission).

Submission:

Labcorp Genetics (formerly Invitae), Labcorp
Classification: Pathogenic. Last evaluated: 2021-05-09. Review status: criteria provided, single submitter. Criteria: Invitae Variant Classification Sherloc (09022015). Collection method: clinical testing. Allele origin: germline.
Comment: This sequence change creates a premature translational stop signal (p.Gly234*) in the HOGA1 gene. It is expected to result in an absent or disrupted protein product. Loss-of-function variants in HOGA1 are known to be pathogenic (PMID: 22391140, 22781098). For these reasons, this variant has been classified as Pathogenic. Algorithms developed to predict the effect of sequence changes on RNA splicing suggest that this variant may disrupt the consensus splice site, but this prediction has not been confirmed by published transcriptional studies. This variant has not been reported in the literature in individuals with HOGA1-related conditions. This variant is not present in population databases (ExAC no frequency).

Literature cited by the submitters: PubMed 22391140; PubMed 22781098.

NM_138413.4(HOGA1):c.700G>T (p.Gly234Ter)

Gene: HOGA1 (4-hydroxy-2-oxoglutarate aldolase 1; plus strand). Cytogenetic location: 10q24.2.
Variant type: single nucleotide variant.
Coding change: c.700G>T on transcript NM_138413.4 (MANE Select); coding-DNA position 700, G replaced by T.
Protein change: p.Gly234Ter; replaces glycine 234 with a stop codon.
Molecular consequence: nonsense. On other transcripts: intron variant (1).
Genome position (GRCh38, 1-based): chr10:97,600,163, G>T. VCF-style: chr10-97600163-G-T. GRCh37 (hg19) VCF-style: chr10-99359920-G-T.
Other names: c.212-1694G>T (NM_001134670.2); short protein forms G234*.
Identifiers: ClinVar variation 1451724 (VCV001451724.6), dbSNP rs2135722575, ClinGen allele CA377979733.